The following is an entry in ClinVar:

NM_000222.3(KIT):c.631G>C (p.Val211Leu)

Gene: KIT (KIT proto-oncogene, receptor tyrosine kinase; plus strand). Cytogenetic location: 4q12.
Variant type: single nucleotide variant.
Coding change: c.631G>C on transcript NM_000222.3 (MANE Select); coding-DNA position 631, G replaced by C.
Protein change: p.Val211Leu; replaces valine 211 with leucine.
Molecular consequence: missense variant.
Genome position (GRCh38, 1-based): chr4:54,699,641, G>C. VCF-style: chr4-54699641-G-C. GRCh37 (hg19) VCF-style: chr4-55565807-G-C.
Other names: c.631G>C, p.Val211Leu (NM_001093772.2, NM_001385284.1, NM_001385285.1 and 4 more transcripts); short protein forms V211L.
Identifiers: ClinVar variation 5023295 (VCV005023295.1).

ClinVar aggregate classification (germline): Uncertain significance (1 of 4 stars; one submission).

Conditions:
Hereditary cancer-predisposing syndrome. Also called: Neoplastic Syndromes, Hereditary; Tumor predisposition; Hereditary neoplastic syndrome; Hereditary Cancer Syndrome. Identifiers: Orphanet 140162, MedGen C0027672, MeSH D009386, MONDO:0015356.

Submission:

Ambry Genetics
Classification: Uncertain significance for Hereditary cancer-predisposing syndrome. Last evaluated: 2026-06-26. Review status: criteria provided, single submitter. Criteria: Ambry Variant Classification Scheme 2023. Collection method: clinical testing. Allele origin: germline.
Comment: The p.V211L variant (also known as c.631G>C), located in coding exon 4 of the KIT gene, results from a G to C substitution at nucleotide position 631. The valine at codon 211 is replaced by leucine, an amino acid with highly similar properties. This amino acid position is conserved. In addition, this alteration is predicted to be tolerated by in silico analysis. Based on the available evidence, the clinical significance of this variant remains unclear.